The following is an entry in ClinVar:

NM_182961.4(SYNE1):c.18761G>A (p.Arg6254His)

Gene: SYNE1 (spectrin repeat containing nuclear envelope protein 1; minus strand). Cytogenetic location: 6q25.2.
Variant type: single nucleotide variant.
Coding change: c.18761G>A on transcript NM_182961.4 (MANE Select); coding-DNA position 18761, G replaced by A.
Protein change: p.Arg6254His; replaces arginine 6254 with histidine.
Molecular consequence: missense variant.
Genome position (GRCh38, 1-based): chr6:152,268,110, C>T on the plus strand (G>A on the coding strand, the complement: SYNE1 is on the minus strand). VCF-style: chr6-152268110-C-T. GRCh37 (hg19) VCF-style: chr6-152589245-C-T.
Other names: c.18548G>A, p.Arg6183His (NM_033071.5); c.18548G>A (NM_033071.3); short protein forms R6183H, R6254H.
Identifiers: ClinVar variation 586718 (VCV000586718.6), dbSNP rs752272082, ClinGen allele CA4054863.
Genomic context (GRCh38, chr6:152,268,110, plus strand): 5'-ACATACCCAGCATCACCAGAGGTCTCTGCCGCCGAATGTTGAATTAGAATCTCCTCTCCA[C>T]GACTGGCTACTGAGCGAAGGAGACTCTTCTGCTCGGCTAATTCCTGTTCTAACTCCTGCT-3'
Protein context (NP_892006.3, residues 6244-6264): QKSLLRSVAS[Arg6254His]GEEILIQHSA

ClinVar aggregate classification (germline): Uncertain significance. Review status: criteria provided, multiple submitters, no conflicts (2 of 4 stars). 3 submissions from 3 submitters: Uncertain significance (3). Last evaluated 2025-06-05.

Conditions:
Emery-Dreifuss muscular dystrophy 4, autosomal dominant (EDMD4). Also called: EMERY-DREIFUSS MUSCULAR DYSTROPHY 4 WITH VARIABLE FEATURES. Identifiers: Orphanet 261, MedGen C2751807, MONDO:0013071, OMIM 612998.
Autosomal recessive ataxia, Beauce type. Also called: SYNE1-Related Autosomal Recessive Cerebellar Ataxia; Spinocerebellar ataxia, autosomal recessive 8; ATAXIA, RECESSIVE, OF BEAUCE; SYNE1 Deficiency. Identifiers: Orphanet 88644, MedGen C1853116, MONDO:0012549, OMIM 610743.

Allele frequency attached by ClinVar (database versions not stated): gnomAD 0.00001; TOPMed 0.00001.
gnomAD v4.1: 6 of 1,613,994 alleles (0.00037%); highest among the groups gnomAD compares: African/African-American, 0.0013%; no homozygotes.

Submissions (3):

Revvity Omics, Revvity
Classification: Uncertain significance. Last evaluated: 2025-06-05. Review status: criteria provided, single submitter. Criteria: ACMG Guidelines, 2015. Collection method: clinical testing. Allele origin: germline.

Labcorp Genetics (formerly Invitae), Labcorp
Classification: Uncertain significance for Emery-Dreifuss muscular dystrophy 4, autosomal dominant; Autosomal recessive ataxia, Beauce type. Last evaluated: 2022-05-27. Review status: criteria provided, single submitter. Criteria: Invitae Variant Classification Sherloc (09022015). Collection method: clinical testing. Allele origin: germline.
Comment: In summary, the available evidence is currently insufficient to determine the role of this variant in disease. Therefore, it has been classified as a Variant of Uncertain Significance. Algorithms developed to predict the effect of missense changes on protein structure and function are either unavailable or do not agree on the potential impact of this missense change (SIFT: "Deleterious"; PolyPhen-2: "Possibly Damaging"; Align-GVGD: "Class C0"). ClinVar contains an entry for this variant (Variation ID: 586718). This variant has not been reported in the literature in individuals affected with SYNE1-related conditions. This variant is not present in population databases (gnomAD no frequency). This sequence change replaces arginine, which is basic and polar, with histidine, which is basic and polar, at codon 6183 of the SYNE1 protein (p.Arg6183His).

Athena Diagnostics
Classification: Uncertain significance. Last evaluated: 2017-09-06. Review status: criteria provided, single submitter. Criteria: Athena Diagnostics Criteria. Collection method: clinical testing. Allele origin: germline.